The following is an entry in ClinVar:

NM_001197104.2(KMT2A):c.9581C>T (p.Pro3194Leu)

Gene: KMT2A (lysine methyltransferase 2A; plus strand). Cytogenetic location: 11q23.3.
Variant type: single nucleotide variant.
Coding change: c.9581C>T on transcript NM_001197104.2 (MANE Select); coding-DNA position 9581, C replaced by T.
Protein change: p.Pro3194Leu; replaces proline 3194 with leucine.
Molecular consequence: missense variant.
Genome position (GRCh38, 1-based): chr11:118,505,473, C>T. VCF-style: chr11-118505473-C-T. GRCh37 (hg19) VCF-style: chr11-118376188-C-T.
Other names: c.9572C>T, p.Pro3191Leu (NM_005933.4); short protein forms P3194L, P3191L.
Identifiers: ClinVar variation 1479843 (VCV001479843.8), dbSNP rs2134406454, ClinGen allele CA382821024.

ClinVar aggregate classification (germline): Uncertain significance (1 of 4 stars; one submission).

Submission:

Labcorp Genetics (formerly Invitae), Labcorp
Classification: Uncertain significance. Last evaluated: 2022-07-05. Review status: criteria provided, single submitter. Criteria: Invitae Variant Classification Sherloc (09022015). Collection method: clinical testing. Allele origin: germline.
Comment: This variant has not been reported in the literature in individuals affected with KMT2A-related conditions. This variant is not present in population databases (gnomAD no frequency). This sequence change replaces proline, which is neutral and non-polar, with leucine, which is neutral and non-polar, at codon 3194 of the KMT2A protein (p.Pro3194Leu). ClinVar contains an entry for this variant (Variation ID: 1479843). In summary, the available evidence is currently insufficient to determine the role of this variant in disease. Therefore, it has been classified as a Variant of Uncertain Significance. Algorithms developed to predict the effect of missense changes on protein structure and function are either unavailable or do not agree on the potential impact of this missense change (SIFT: "Tolerated"; PolyPhen-2: "Probably Damaging"; Align-GVGD: "Class C0").